The following is an entry in ClinVar:

NM_000535.7(PMS2):c.833A>C (p.His278Pro)

Gene: PMS2 (PMS1 homolog 2, mismatch repair system component; minus strand). Cytogenetic location: 7p22.1.
Variant type: single nucleotide variant.
Coding change: c.833A>C on transcript NM_000535.7 (MANE Select); coding-DNA position 833, A replaced by C.
Protein change: p.His278Pro; replaces histidine 278 with proline.
Molecular consequence: missense variant. On other transcripts: 5 prime UTR variant (2), non-coding transcript variant (1).
Genome position (GRCh38, 1-based): chr7:5,995,604, T>G on the plus strand (A>C on the coding strand, the complement: PMS2 is on the minus strand). VCF-style: chr7-5995604-T-G. GRCh37 (hg19) VCF-style: chr7-6035235-T-G.
Other names: c.428A>C, p.His143Pro (NM_001322003.2, NM_001322004.2, NM_001322005.2 and 2 more transcripts); c.833A>C, p.His278Pro (NM_001322006.2, NM_001322014.2); c.515A>C, p.His172Pro (NM_001322007.2, NM_001322008.2); c.-101A>C (NM_001322011.2, NM_001322012.2); c.260A>C, p.His87Pro (NM_001322013.2); c.524A>C, p.His175Pro (NM_001322015.2); c.833A>C (NM_000535.5); short protein forms H278P, H175P, H172P, H143P, H87P.
Identifiers: ClinVar variation 1386298 (VCV001386298.7), dbSNP rs1562664434, ClinGen allele CA366743525.

ClinVar aggregate classification (germline): Uncertain significance. Review status: criteria provided, multiple submitters, no conflicts (2 of 4 stars). 2 submissions from 2 submitters: Uncertain significance (2). Last evaluated 2025-03-02.

Conditions:
Hereditary nonpolyposis colorectal neoplasms. Identifiers: MedGen C0009405, MeSH D003123.
Hereditary cancer-predisposing syndrome. Also called: Neoplastic Syndromes, Hereditary; Tumor predisposition; Hereditary neoplastic syndrome; Hereditary Cancer Syndrome. Identifiers: Orphanet 140162, MedGen C0027672, MeSH D009386, MONDO:0015356.

Allele frequency attached by ClinVar (database versions not stated): TOPMed below 0.00001.

Submissions (2):

Ambry Genetics
Classification: Uncertain significance for Hereditary cancer-predisposing syndrome. Last evaluated: 2025-03-02. Review status: criteria provided, single submitter. Criteria: Ambry Variant Classification Scheme 2023. Collection method: clinical testing. Allele origin: germline.
Comment: The p.H278P variant (also known as c.833A>C), located in coding exon 8 of the PMS2 gene, results from an A to C substitution at nucleotide position 833. The histidine at codon 278 is replaced by proline, an amino acid with similar properties. This amino acid position is conserved. In addition, this alteration is predicted to be deleterious by in silico analysis. Based on the available evidence, the clinical significance of this variant remains unclear.

Labcorp Genetics (formerly Invitae), Labcorp
Classification: Uncertain significance for Hereditary nonpolyposis colorectal neoplasms. Last evaluated: 2021-10-12. Review status: criteria provided, single submitter. Criteria: Invitae Variant Classification Sherloc (09022015). Collection method: clinical testing. Allele origin: germline.
Comment: This sequence change replaces histidine with proline at codon 278 of the PMS2 protein (p.His278Pro). The histidine residue is highly conserved and there is a moderate physicochemical difference between histidine and proline. This variant is not present in population databases (ExAC no frequency). In summary, the available evidence is currently insufficient to determine the role of this variant in disease. Therefore, it has been classified as a Variant of Uncertain Significance. Advanced modeling of protein sequence and biophysical properties (such as structural, functional, and spatial information, amino acid conservation, physicochemical variation, residue mobility, and thermodynamic stability) performed at Invitae indicates that this missense variant is not expected to disrupt PMS2 protein function. This variant has not been reported in the literature in individuals affected with PMS2-related conditions.